The following is an entry in ClinVar:

ClinVar aggregate classification (germline): Uncertain significance (1 of 4 stars; one submission).

Conditions:
Early-infantile DEE. Also called: Early infantile epileptic encephalopathy with suppression bursts; Early infantile epileptic encephalopathy; Ohtahara syndrome. Identifiers: Orphanet 1934, MedGen C0393706, MONDO:0800491.

Allele frequency attached by ClinVar (database versions not stated): TOPMed below 0.00001; ExAC 0.00001; gnomAD exomes 0.00004.
gnomAD v4.1: 51 of 1,608,406 alleles (0.0032%); highest among the groups gnomAD compares: Non-Finnish European, 0.0043%; no homozygotes.

Submission:

Labcorp Genetics (formerly Invitae), Labcorp
Classification: Uncertain significance for Early-infantile DEE. Last evaluated: 2023-07-28. Review status: criteria provided, single submitter. Criteria: Invitae Variant Classification Sherloc (09022015). Collection method: clinical testing. Allele origin: germline.
Comment: This sequence change replaces proline, which is neutral and non-polar, with threonine, which is neutral and polar, at codon 1141 of the SCN8A protein (p.Pro1141Thr). This variant is present in population databases (rs780984594, gnomAD 0.004%). This missense change has been observed in individual(s) with clinical features of SCN8A-related conditions (PMID: 30314295). ClinVar contains an entry for this variant (Variation ID: 2068399). Advanced modeling of protein sequence and biophysical properties (such as structural, functional, and spatial information, amino acid conservation, physicochemical variation, residue mobility, and thermodynamic stability) performed at Invitae indicates that this missense variant is not expected to disrupt SCN8A protein function. In summary, the available evidence is currently insufficient to determine the role of this variant in disease. Therefore, it has been classified as a Variant of Uncertain Significance.

Literature cited by the submitters: PubMed 30314295.

NM_001330260.2(SCN8A):c.3421C>A (p.Pro1141Thr)

Gene: SCN8A (sodium voltage-gated channel alpha subunit 8; plus strand). Cytogenetic location: 12q13.13.
Variant type: single nucleotide variant.
Coding change: c.3421C>A on transcript NM_001330260.2 (MANE Select); coding-DNA position 3421, C replaced by A.
Protein change: p.Pro1141Thr; replaces proline 1141 with threonine.
Molecular consequence: missense variant.
Genome position (GRCh38, 1-based): chr12:51,769,916, C>A. VCF-style: chr12-51769916-C-A. GRCh37 (hg19) VCF-style: chr12-52163700-C-A.
Other names: c.3421C>A, p.Pro1141Thr (NM_001177984.3, NM_001369788.1, NM_014191.4); short protein forms P1141T.
Identifiers: ClinVar variation 2068399 (VCV002068399.4), dbSNP rs780984594, ClinGen allele CA6571600.